The following is an entry in ClinVar:

NM_001286611.2(REPS1):c.1969C>T (p.Pro657Ser)

Gene: REPS1 (RALBP1 associated Eps domain containing 1; minus strand). Cytogenetic location: 6q24.1.
Variant type: single nucleotide variant.
Coding change: c.1969C>T on transcript NM_001286611.2 (MANE Select); coding-DNA position 1969, C replaced by T.
Protein change: p.Pro657Ser; replaces proline 657 with serine.
Molecular consequence: missense variant.
Genome position (GRCh38, 1-based): chr6:138,912,767, G>A on the plus strand (C>T on the coding strand, the complement: REPS1 is on the minus strand). VCF-style: chr6-138912767-G-A. GRCh37 (hg19) VCF-style: chr6-139233904-G-A.
Other names: c.1888C>T, p.Pro630Ser (NM_001128617.3); c.1696C>T, p.Pro566Ser (NM_001286612.2); c.1966C>T, p.Pro656Ser (NM_031922.5); short protein forms P656S, P657S, P566S, P630S.
Identifiers: ClinVar variation 1908633 (VCV001908633.5), dbSNP rs2482599107, ClinGen allele CA365807148.
Genomic context (GRCh38, chr6:138,912,767, plus strand): 5'-CAACATGGTATGGGAAGTGACTGCCTGCAGAAAATTAGCCAAGCCCTCGAAAACTGACCG[G>A]CAGGACTTCTGGATGTTTCTCGGCTTCATCATCTTGTTCGTCGTTTACATTTGATGCAGC-3'
Protein context (NP_001273540.1, residues 647-667): DEAEKHPEVL[Pro657Ser]AEKASDPASS

ClinVar aggregate classification (germline): Uncertain significance (1 of 4 stars; one submission).

Submission:

Labcorp Genetics (formerly Invitae), Labcorp
Classification: Uncertain significance. Last evaluated: 2022-04-25. Review status: criteria provided, single submitter. Criteria: Invitae Variant Classification Sherloc (09022015). Collection method: clinical testing. Allele origin: germline.
Comment: In summary, the available evidence is currently insufficient to determine the role of this variant in disease. Therefore, it has been classified as a Variant of Uncertain Significance. Algorithms developed to predict the effect of missense changes on protein structure and function (SIFT, PolyPhen-2, Align-GVGD) all suggest that this variant is likely to be tolerated. This variant has not been reported in the literature in individuals affected with REPS1-related conditions. This variant is not present in population databases (gnomAD no frequency). This sequence change replaces proline, which is neutral and non-polar, with serine, which is neutral and polar, at codon 657 of the REPS1 protein (p.Pro657Ser).